The following is an entry in ClinVar:

ClinVar aggregate classification (germline): Likely pathogenic. Review status: criteria provided, multiple submitters, no conflicts (2 of 4 stars). 2 submissions from 2 submitters: Likely pathogenic (2). Last evaluated 2024-03-17.

Conditions:
Marshall syndrome (MRSHS). Identifiers: Orphanet 560, MedGen C0265235, MONDO:0007949, OMIM 154780.
Stickler syndrome type 2 (STL2). Also called: COL11A1-Related Stickler Syndrome; STICKLER SYNDROME, BEADED VITREOUS TYPE; STICKLER SYNDROME, VITREOUS TYPE 2; STICKLER SYNDROME, TYPE II. Identifiers: Orphanet 828, Orphanet 90654, MedGen C1858084, MONDO:0011493, OMIM 604841.

Submissions (2):

Genomic Medicine Center of Excellence, King Faisal Specialist Hospital and Research Centre
Classification: Likely pathogenic for Stickler syndrome type 2. Last evaluated: 2024-03-17. Review status: criteria provided, single submitter. Criteria: ACMG Guidelines, 2015. Collection method: research. Allele origin: germline.

Victorian Clinical Genetics Services, Murdoch Childrens Research Institute
Classification: Likely pathogenic for Marshall syndrome. Last evaluated: 2020-05-21. Review status: criteria provided, single submitter. Criteria: ACMG Guidelines, 2015. Collection method: clinical testing. Allele origin: germline. Affected: no.
Comment: Based on the classification scheme VCGS_Germline_v1.1.1, this variant is classified as likely pathogenic. Following criteria are met: 0102 - Loss-of-function is a known mechanism of disease for this gene. (N) 0104 - Dominant Negative is a mechanism of disease for this gene. (N) 0108 - This gene is known to be associated with both recessive and dominant disease, however most reports are dominant (OMIM). (N) 0200 - Variant is predicted to result in a missense amino acid change from glycine to glutamic acid (exon 34). (N) 0251 - Variant is heterozygous. (N) 0301 - Variant is absent from gnomAD. (P) 0501 - Missense variant consistently predicted to be damaging by multiple in silico tools or highly conserved with a major amino acid change. (P) 0601 - Variant affects at least one well-established (essential) functional domain or motif (glycine in the triple helix; NCBI). (P) 0705 - No comparable variants have previous evidence for pathogenicity. (N) 0803 - Low previous evidence of pathogenicity in unrelated individuals (PMID: 22499343; PMID 25073711; PMID: 29620724). (P) 0905 - No segregation evidence has been identified for this variant. (N) 1007 - No published functional evidence has been identified for this variant. (N) Legend: (P) - Pathogenic, (N) - Neutral, (B) - Benign

Literature cited by the submitters: PubMed 22499343 (cited by Victorian Clinical Genetics Services, Murdoch Childrens Research Institute); PubMed 25073711 (cited by Victorian Clinical Genetics Services, Murdoch Childrens Research Institute); PubMed 29620724 (cited by Victorian Clinical Genetics Services, Murdoch Childrens Research Institute).

NM_001854.4(COL11A1):c.2702G>A (p.Gly901Glu)

Gene: COL11A1 (collagen type XI alpha 1 chain; minus strand). Cytogenetic location: 1p21.1.
Variant type: single nucleotide variant.
Coding change: c.2702G>A on transcript NM_001854.4 (MANE Select); coding-DNA position 2702, G replaced by A.
Protein change: p.Gly901Glu; replaces glycine 901 with glutamic acid.
Molecular consequence: missense variant. On other transcripts: non-coding transcript variant (1).
Genome position (GRCh38, 1-based): chr1:102,978,867, C>T on the plus strand (G>A on the coding strand, the complement: COL11A1 is on the minus strand). VCF-style: chr1-102978867-C-T. GRCh37 (hg19) VCF-style: chr1-103444423-C-T.
Other names: c.2354G>A, p.Gly785Glu (NM_001168249.1, NM_080630.4); c.2585G>A, p.Gly862Glu (NM_001190709.2); c.2738G>A, p.Gly913Glu (NM_080629.3); c.2702G>A (NM_001854.3); short protein forms G785E, G862E, G901E, G913E.
Identifiers: ClinVar variation 3064166 (VCV003064166.3), dbSNP rs2525109250, ClinGen allele CA341163198.
Genomic context (GRCh38, chr1:102,978,867, plus strand): 5'-GCCTGGAAAAAAAATCTACAGTAACATCCAAACAGAAAAAGTACAGGTGATACCTTTGGC[C>T]CAGGTTTCCCAGTGGGACCTCTTGCACCTCTTGAACCTCGAGGACCCTGCAGATGAGAAC-3'
Protein context (NP_001845.3, residues 891-911): RGARGPTGKP[Gly901Glu]PKGTSGGDGP